The following is an entry in ClinVar:

ClinVar aggregate classification (germline): Pathogenic. Review status: criteria provided, multiple submitters, no conflicts (2 of 4 stars). 5 submissions from 5 submitters: Pathogenic (5). Last evaluated 2026-05-20.

Conditions:
Hereditary cancer-predisposing syndrome. Also called: Neoplastic Syndromes, Hereditary; Hereditary neoplastic syndrome; Tumor predisposition; Hereditary Cancer Syndrome. Identifiers: Orphanet 140162, MedGen C0027672, MeSH D009386, MONDO:0015356.
Hereditary breast ovarian cancer syndrome. Also called: Hereditary breast and/or ovarian cancer syndrome; Hereditary breast and ovarian cancer; Hereditary breast and ovarian cancer syndrome (HBOC); Breast and ovarian cancer; BRCA1- and BRCA2-Associated Hereditary Breast and Ovarian Cancer; Hereditary breast and ovarian cancer syndrome. Identifiers: Orphanet 145, MedGen C0677776, MeSH D061325, MONDO:0003582. Disease mechanism: loss of function.
Breast-ovarian cancer, familial, susceptibility to, 2 (BROVCA2). Also called: BRCA2 Hereditary Breast and Ovarian Cancer. Identifiers: Orphanet 145, MedGen C2675520, MONDO:0012933, OMIM 612555. Disease mechanism: loss of function.

Submissions (5):

Ambry Genetics
Classification: Pathogenic for Hereditary cancer-predisposing syndrome. Last evaluated: 2026-05-20. Review status: criteria provided, single submitter. Criteria: Ambry Variant Classification Scheme 2023. Collection method: clinical testing. Allele origin: germline.
Comment: The c.516+1G>C intronic pathogenic mutation results from a G to C substitution one nucleotide after coding exon 5 of the BRCA2 gene. This nucleotide position is highly conserved in available vertebrate species. In silico splice site analysis predicts that this alteration will weaken the native splice donor site. RNA studies have demonstrated that this variant results in abnormal splicing in the set of samples tested (Ambry internal data). This variant is considered to be rare based on population cohorts in the Genome Aggregation Database (gnomAD). Based on the supporting evidence, this variant is interpreted as a disease-causing mutation.

Quest Diagnostics Nichols Institute San Juan Capistrano
Classification: Pathogenic. Last evaluated: 2023-05-02. Review status: criteria provided, single submitter. Criteria: Quest Diagnostics criteria. Collection method: clinical testing. Allele origin: unknown.
Comment: This variant disrupts a canonical splice-donor site and interferes with normal BRCA2 mRNA splicing. It also has not been reported in large, multi-ethnic general populations. In the published literature, the variant has been reported in individuals with breast cancer (PMID: 16760289 (2006), 32438681 (2020)). It has also been reported in a world-wide study of BRCA1/BRCA2 mutation carriers (PMID: 29446198 (2018)). Based on the available information, this variant is classified as pathogenic.

Labcorp Genetics (formerly Invitae), Labcorp
Classification: Pathogenic for Hereditary breast ovarian cancer syndrome. Last evaluated: 2022-11-23. Review status: criteria provided, single submitter. Criteria: Invitae Variant Classification Sherloc (09022015). Collection method: clinical testing. Allele origin: germline.
Comment: For these reasons, this variant has been classified as Pathogenic. Studies have shown that disruption of this splice site alters mRNA splicing and is expected to lead to the loss of protein expression (PMID: 30883759). ClinVar contains an entry for this variant (Variation ID: 51787). Disruption of this splice site has been observed in individual(s) with breast and/or ovarian cancer (PMID: 16760289, 29446198). This variant is not present in population databases (gnomAD no frequency). This sequence change affects a donor splice site in intron 6 of the BRCA2 gene. It is expected to disrupt RNA splicing. Variants that disrupt the donor or acceptor splice site typically lead to a loss of protein function (PMID: 16199547), and loss-of-function variants in BRCA2 are known to be pathogenic (PMID: 20104584).

GeneDx
Classification: Pathogenic. Last evaluated: 2016-04-15. Review status: criteria provided, single submitter. Criteria: GeneDx Variant Classification (06012015). Collection method: clinical testing. Allele origin: germline. Affected: yes.
Comment: This variant is denoted BRCA2 c.516+1G>C or IVS6+1G>C and consists of a G>C nucleotide substitution at the +1 position of intron 6 of the BRCA2 gene. Using alternate nomenclature, this variant would be defined as BRCA2 744+1G>C. This variant destroys a canonical splice donor site and is predicted to cause abnormal gene splicing, leading to either an abnormal message that is subject to nonsense-mediated mRNA decay or to an abnormal protein product. This variant has been reported in a family with hereditary breast cancer (Capalbo 2006). Based on the currently available information, we consider BRCA2 c.516+1G>C to be pathogenic.

Consortium of Investigators of Modifiers of BRCA1/2 (CIMBA), c/o University of Cambridge
Classification: Pathogenic for Breast-ovarian cancer, familial, susceptibility to, 2. Last evaluated: 2015-10-02. Review status: criteria provided, single submitter. Criteria: CIMBA Mutation Classification guidelines May 2016. Collection method: clinical testing. Allele origin: germline.

Literature cited by the submitters: PubMed 16760289 (cited by 3 submitters); PubMed 29446198 (cited by Quest Diagnostics Nichols Institute San Juan Capistrano and Labcorp Genetics (formerly Invitae), Labcorp); PubMed 32438681 (cited by Quest Diagnostics Nichols Institute San Juan Capistrano); PubMed 30883759 (cited by Labcorp Genetics (formerly Invitae), Labcorp); PubMed 16199547 (cited by Labcorp Genetics (formerly Invitae), Labcorp); PubMed 20104584 (cited by Labcorp Genetics (formerly Invitae), Labcorp).

NM_000059.4(BRCA2):c.516+1G>C

Gene: BRCA2 (BRCA2 DNA repair associated; plus strand). Cytogenetic location: 13q13.1.
Variant type: single nucleotide variant.
Coding change: c.516+1G>C on transcript NM_000059.4 (MANE Select); the canonical splice donor site of the intron after coding-DNA position 516, G replaced by C.
Molecular consequence: splice donor variant.
Genome position (GRCh38, 1-based): chr13:32,326,283, G>C. VCF-style: chr13-32326283-G-C. GRCh37 (hg19) VCF-style: chr13-32900420-G-C.
Other names: c.516+1G>C (NM_001406720.1, NM_001406719.1, NM_001406721.1); c.147+1G>C (NM_001406722.1).
Identifiers: ClinVar variation 51787 (VCV000051787.14), dbSNP rs397507762, ClinGen allele CA021481.